The following is an entry in ClinVar:

ClinVar aggregate classification (germline): Uncertain significance (1 of 4 stars; one submission).

Conditions:
P4HA2-related disorder. Also called: P4HA2-related condition.

Submission:

PreventionGenetics, part of Exact Sciences
Classification: Uncertain significance for P4HA2-related condition. Last evaluated: 2025-04-09. Review status: criteria provided, single submitter. Criteria: ACMG Guidelines, 2015. Collection method: clinical testing. Allele origin: germline.
Comment: The P4HA2 c.470G>A variant is predicted to result in the amino acid substitution p.Gly157Glu. To our knowledge, this variant has not been reported in the literature or in a large population database (gnomAD), indicating this variant is rare. At this time, the clinical significance of this variant is uncertain due to the absence of conclusive functional and genetic evidence.

NM_001017974.2(P4HA2):c.470G>A (p.Gly157Glu)

Gene: P4HA2 (prolyl 4-hydroxylase subunit alpha 2; minus strand). Cytogenetic location: 5q31.1.
Variant type: single nucleotide variant.
Coding change: c.470G>A on transcript NM_001017974.2 (MANE Select); coding-DNA position 470, G replaced by A.
Protein change: p.Gly157Glu; replaces glycine 157 with glutamic acid.
Molecular consequence: missense variant.
Genome position (GRCh38, 1-based): chr5:132,210,523, C>T on the plus strand (G>A on the coding strand, the complement: P4HA2 is on the minus strand). VCF-style: chr5-132210523-C-T. GRCh37 (hg19) VCF-style: chr5-131546216-C-T.
Other names: c.470G>A, p.Gly157Glu (NM_001142598.2, NM_001142599.2, NM_001365677.2 and 5 more transcripts); short protein forms G157E.
Identifiers: ClinVar variation 4987670 (VCV004987670.1).